The following is an entry in ClinVar:

ClinVar aggregate classification (germline): Uncertain significance. Review status: criteria provided, multiple submitters, no conflicts (2 of 4 stars). 2 submissions from 2 submitters: Uncertain significance (2). Last evaluated 2024-08-12.

Conditions:
Familial sleep-related hypermotor epilepsy. Also called: Autosomal Dominant Sleep-Related Hypermotor (Hyperkinetic) Epilepsy. Identifiers: Orphanet 98784, MedGen C3696898, MONDO:0000030.

Submissions (2):

Labcorp Genetics (formerly Invitae), Labcorp
Classification: Uncertain significance. Last evaluated: 2024-08-12. Review status: criteria provided, single submitter. Criteria: Invitae Variant Classification Sherloc (09022015). Collection method: clinical testing. Allele origin: germline.
Comment: This sequence change replaces arginine, which is basic and polar, with serine, which is neutral and polar, at codon 121 of the CHRNA2 protein (p.Arg121Ser). This variant is not present in population databases (gnomAD no frequency). This variant has not been reported in the literature in individuals affected with CHRNA2-related conditions. ClinVar contains an entry for this variant (Variation ID: 421927). Advanced modeling of protein sequence and biophysical properties (such as structural, functional, and spatial information, amino acid conservation, physicochemical variation, residue mobility, and thermodynamic stability) performed at Invitae indicates that this missense variant is not expected to disrupt CHRNA2 protein function with a negative predictive value of 80%. In summary, the available evidence is currently insufficient to determine the role of this variant in disease. Therefore, it has been classified as a Variant of Uncertain Significance.

GeneDx
Classification: Uncertain significance. Last evaluated: 2016-08-09. Review status: criteria provided, single submitter. Criteria: GeneDx Variant Classification (06012015). Collection method: clinical testing. Allele origin: germline. Affected: yes.
Comment: A variant of uncertain significance has been identified in the CHRNA2 gene. The R121S variant has not been published as a pathogenic variant, nor has it been reported as a benign variant to our knowledge. It was not observed in approximately 6,500 individuals of European and African American ancestry in the NHLBI Exome Sequencing Project, indicating it is not a common benign variant in these populations. The R121S variant is a semi-conservative amino acid substitution, which may impact secondary protein structure as these residues differ in some properties. In silico analysis predicts this variant is probably damaging to the protein structure/function. However, this substitution occurs at a position that is not conserved and is not predicted to occur within the transmembrane region of the protein, where the vast majority of pathogenic missense variants have been identified in association with epilepsy (Steinlein et al., 2010). Therefore, based on the currently available information, it is unclear whether this variant is a pathogenic variant or a rare benign variant.

NM_000742.4(CHRNA2):c.361C>A (p.Arg121Ser)

Gene: CHRNA2 (cholinergic receptor nicotinic alpha 2 subunit; minus strand). Cytogenetic location: 8p21.2.
Variant type: single nucleotide variant.
Coding change: c.361C>A on transcript NM_000742.4 (MANE Select); coding-DNA position 361, C replaced by A.
Protein change: p.Arg121Ser; replaces arginine 121 with serine.
Molecular consequence: missense variant. On other transcripts: 5 prime UTR variant (4).
Genome position (GRCh38, 1-based): chr8:27,467,317, G>T on the plus strand (C>A on the coding strand, the complement: CHRNA2 is on the minus strand). VCF-style: chr8-27467317-G-T. GRCh37 (hg19) VCF-style: chr8-27324834-G-T.
Other names: c.316C>A, p.Arg106Ser (NM_001282455.2); c.-112C>A (NM_001347705.2, NM_001347706.2); c.-98C>A (NM_001347707.2); c.-101C>A (NM_001347708.2); short protein forms R121S, R106S.
Identifiers: ClinVar variation 421927 (VCV000421927.6), dbSNP rs746274421, ClinGen allele CA16618624.